The following is an entry in ClinVar:

ClinVar aggregate classification (germline): Uncertain significance. Review status: criteria provided, multiple submitters, no conflicts (2 of 4 stars). 3 submissions from 3 submitters: Uncertain significance (3). Last evaluated 2024-07-27.

Conditions:
GZF1-related disorder. Also called: GZF1-related condition.
Inborn genetic diseases. Identifiers: MedGen C0950123, MeSH D030342.

Allele frequency attached by ClinVar (database versions not stated): gnomAD exomes 0.00002 and 0.00003; gnomAD 0.00014 and 0.00015; TOPMed 0.00015.
gnomAD v4.1: 32 of 1,614,164 alleles (0.002%); highest among the groups gnomAD compares: Admixed American, 0.038%; no homozygotes.

Submissions (3):

Ambry Genetics
Classification: Uncertain significance for Inborn genetic diseases. Last evaluated: 2024-07-27. Review status: criteria provided, single submitter. Criteria: Ambry Variant Classification Scheme 2023. Collection method: clinical testing. Allele origin: germline.

Labcorp Genetics (formerly Invitae), Labcorp
Classification: Uncertain significance. Last evaluated: 2024-07-16. Review status: criteria provided, single submitter. Criteria: Invitae Variant Classification Sherloc (09022015). Collection method: clinical testing. Allele origin: germline.
Comment: This sequence change replaces valine, which is neutral and non-polar, with isoleucine, which is neutral and non-polar, at codon 136 of the GZF1 protein (p.Val136Ile). This variant is present in population databases (no rsID available, gnomAD 0.02%). This variant has not been reported in the literature in individuals affected with GZF1-related conditions. ClinVar contains an entry for this variant (Variation ID: 1376203). An algorithm developed to predict the effect of missense changes on protein structure and function (PolyPhen-2) suggests that this variant is likely to be disruptive. In summary, the available evidence is currently insufficient to determine the role of this variant in disease. Therefore, it has been classified as a Variant of Uncertain Significance.

PreventionGenetics, part of Exact Sciences
Classification: Uncertain significance for GZF1-related condition. Last evaluated: 2023-09-21. Review status: criteria provided, single submitter. Criteria: ACMG Guidelines, 2015. Collection method: clinical testing. Allele origin: germline.
Comment: The GZF1 c.406G>A variant is predicted to result in the amino acid substitution p.Val136Ile. To our knowledge, this variant has not been reported in the literature. This variant is reported in 0.020% of alleles in individuals of Latino descent in gnomAD. At this time, the clinical significance of this variant is uncertain due to the absence of conclusive functional and genetic evidence.

NM_022482.5(GZF1):c.406G>A (p.Val136Ile)

Gene: GZF1 (GDNF inducible zinc finger protein 1; plus strand). Cytogenetic location: 20p11.21.
Variant type: single nucleotide variant.
Coding change: c.406G>A on transcript NM_022482.5 (MANE Select); coding-DNA position 406, G replaced by A.
Protein change: p.Val136Ile; replaces valine 136 with isoleucine.
Molecular consequence: missense variant.
Genome position (GRCh38, 1-based): chr20:23,364,789, G>A. VCF-style: chr20-23364789-G-A. GRCh37 (hg19) VCF-style: chr20-23345426-G-A.
Other names: c.406G>A, p.Val136Ile (NM_001317012.2, NM_001317019.1); c.406G>A (NM_022482.3, NM_022482.4); short protein forms V136I.
Identifiers: ClinVar variation 1376203 (VCV001376203.9), dbSNP rs866817750, ClinGen allele CA313540301.
Genomic context (GRCh38, chr20:23,364,789, plus strand): 5'-CTGAAATGTTTGGATTTATCAGAAACTTGTTTTCAATTAAAGAAACAGATGTTAGAGTCA[G>A]TACTTTTGGAGTTGCAAAATTTCTCAGAGTCTCAGGAGGTGGAGGTGAGCAGTGGCTCCC-3'
Protein context (NP_071927.1, residues 126-146): FQLKKQMLES[Val136Ile]LLELQNFSES